The following is an entry in ClinVar:

NM_182931.3(KMT2E):c.2098A>G (p.Ile700Val)

Gene: KMT2E (lysine methyltransferase 2E (inactive); plus strand). Cytogenetic location: 7q22.3.
Variant type: single nucleotide variant.
Coding change: c.2098A>G on transcript NM_182931.3 (MANE Select); coding-DNA position 2098, A replaced by G.
Protein change: p.Ile700Val; replaces isoleucine 700 with valine.
Molecular consequence: missense variant.
Genome position (GRCh38, 1-based): chr7:105,102,096, A>G. VCF-style: chr7-105102096-A-G. GRCh37 (hg19) VCF-style: chr7-104742543-A-G.
Other names: c.2098A>G, p.Ile700Val (NM_001410908.1, NM_018682.4); short protein forms I700V.
Identifiers: ClinVar variation 2575016 (VCV002575016.1), dbSNP rs1356026545, ClinGen allele CA368785296.

ClinVar aggregate classification (germline): Uncertain significance (1 of 4 stars; one submission).

Allele frequency attached by ClinVar (database versions not stated): gnomAD exomes below 0.00001; TOPMed below 0.00001; gnomAD 0.00001.
gnomAD v4.1: 2 of 1,613,428 alleles (0.00012%); highest among the groups gnomAD compares: Non-Finnish European, 0.00017%; no homozygotes.

Submission:

GeneDx
Classification: Uncertain significance. Last evaluated: 2023-02-01. Review status: criteria provided, single submitter. Criteria: GeneDx Variant Classification Process June 2021. Collection method: clinical testing. Allele origin: germline. Affected: yes.
Comment: Not observed at significant frequency in large population cohorts (gnomAD); In silico analysis supports that this missense variant does not alter protein structure/function; Has not been previously published as pathogenic or benign to our knowledge